The following is an entry in ClinVar:

ClinVar aggregate classification (germline): Conflicting classifications of pathogenicity. Review status: criteria provided, conflicting classifications (1 of 4 stars). 5 submissions from 5 submitters: Uncertain significance (2); Likely benign (1). 2 of the submissions do not count toward it. Last evaluated 2024-11-11.

Conditions:
Inborn genetic diseases. Identifiers: MedGen C0950123, MeSH D030342.
PEX10-related disorder. Also called: PEX10-related condition.
Peroxisome biogenesis disorder, complementation group 7 (CG7). Also called: Peroxisome biogenesis disorder, complementation group B. Identifiers: MedGen C1864399.
Zellweger spectrum disorders (ZS). Also called: Zellweger Spectrum Disorder (ZSD); Zellweger Spectrum Disorder; Zellweger Spectrum; Zellweger syndrome. Identifiers: Orphanet 912, MedGen C0043459, MONDO:0019609.

Allele frequency attached by ClinVar (database versions not stated): ESP Exome Variant Server 0.00015; TOPMed 0.00016; gnomAD 0.00021 and 0.00025; gnomAD exomes 0.00026; ExAC 0.00046.

Submissions (5):

Blueprint Genetics
Classification: Likely benign. Last evaluated: 2024-11-11. Review status: criteria provided, single submitter. Criteria: ACMG Guidelines, 2015. Collection method: clinical testing. Allele origin: germline.

Ambry Genetics
Classification: Uncertain significance for Inborn genetic diseases. Last evaluated: 2024-06-25. Review status: criteria provided, single submitter. Criteria: Ambry Variant Classification Scheme 2023. Collection method: clinical testing. Allele origin: germline.

Labcorp Genetics (formerly Invitae), Labcorp
Classification: Uncertain significance for Peroxisome biogenesis disorder, complementation group 7. Last evaluated: 2022-10-17. Review status: criteria provided, single submitter. Criteria: Invitae Variant Classification Sherloc (09022015). Collection method: clinical testing. Allele origin: germline.
Comment: This sequence change replaces glycine, which is neutral and non-polar, with arginine, which is basic and polar, at codon 228 of the PEX10 protein (p.Gly228Arg). This variant is present in population databases (rs138489241, gnomAD 0.07%). This variant has not been reported in the literature in individuals affected with PEX10-related conditions. ClinVar contains an entry for this variant (Variation ID: 1038833). Algorithms developed to predict the effect of missense changes on protein structure and function output the following: SIFT: "Tolerated"; PolyPhen-2: "Benign"; Align-GVGD: "Class C0". The arginine amino acid residue is found in multiple mammalian species, which suggests that this missense change does not adversely affect protein function. In summary, the available evidence is currently insufficient to determine the role of this variant in disease. Therefore, it has been classified as a Variant of Uncertain Significance.

PreventionGenetics, part of Exact Sciences
Classification: Uncertain significance for PEX10-related condition. Last evaluated: 2024-03-21. Review status: no assertion criteria provided. Collection method: clinical testing. Allele origin: germline. Not counted in ClinVar's aggregate classification.
Comment: The PEX10 c.682G>A variant is predicted to result in the amino acid substitution p.Gly228Arg. To our knowledge, this variant has not been reported in the literature. This variant is reported in 0.068% of alleles in individuals of European (Finnish) descent in gnomAD. Although we suspect that this variant may be benign, at this time, the clinical significance of this variant is uncertain due to the absence of conclusive functional and genetic evidence.

Natera, Inc.
Classification: Uncertain significance for Zellweger syndrome. Last evaluated: 2020-01-24. Review status: no assertion criteria provided. Collection method: clinical testing. Allele origin: germline. Not counted in ClinVar's aggregate classification.

NM_002617.4(PEX10):c.622G>A (p.Gly208Arg)

Gene: PEX10 (peroxisomal biogenesis factor 10; minus strand). Cytogenetic location: 1p36.32.
Variant type: single nucleotide variant.
Coding change: c.622G>A on transcript NM_002617.4 (MANE Select); coding-DNA position 622, G replaced by A.
Protein change: p.Gly208Arg; replaces glycine 208 with arginine.
Molecular consequence: missense variant. On other transcripts: non-coding transcript variant (1).
Genome position (GRCh38, 1-based): chr1:2,406,874, C>T on the plus strand (G>A on the coding strand, the complement: PEX10 is on the minus strand). VCF-style: chr1-2406874-C-T. GRCh37 (hg19) VCF-style: chr1-2338313-C-T.
Other names: c.679G>A, p.Gly227Arg (NM_001374425.1); c.247G>A, p.Gly83Arg (NM_001374426.1); c.190G>A, p.Gly64Arg (NM_001374427.1); c.682G>A, p.Gly228Arg (NM_153818.2); c.682G>A (NM_153818.1); short protein forms G227R, G83R, G228R, G64R, G208R.
Identifiers: ClinVar variation 1038833 (VCV001038833.8), dbSNP rs138489241, ClinGen allele CA538088.
Genomic context (GRCh38, chr1:2,406,874, plus strand): 5'-GGTGCAGCAGTGAGATGACCCCCAGCAGCCTGTAGCTAACACGGGCCCTCAGGTCCTCTC[C>T]GGGCAGGCTGCGGACACGGAGCTGTAAGGCAGATGGCGCCACACTCATCAGGACCCTGAG-3'
Protein context (NP_002608.1, residues 198-218): ITYLRVRSLP[Gly208Arg]EDLRARVSYR